The following is an entry in ClinVar:

NM_002471.4(MYH6):c.2797G>T (p.Glu933Ter)

Gene: MYH6 (myosin heavy chain 6; minus strand). Cytogenetic location: 14q11.2.
Variant type: single nucleotide variant.
Coding change: c.2797G>T on transcript NM_002471.4 (MANE Select); coding-DNA position 2797, G replaced by T.
Protein change: p.Glu933Ter; replaces glutamic acid 933 with a stop codon.
Molecular consequence: nonsense.
Genome position (GRCh38, 1-based): chr14:23,393,797, C>A on the plus strand (G>T on the coding strand, the complement: MYH6 is on the minus strand). VCF-style: chr14-23393797-C-A. GRCh37 (hg19) VCF-style: chr14-23863006-C-A.
Other names: c.2797G>T (NM_002471.3); short protein forms E933*.
Identifiers: ClinVar variation 1397969 (VCV001397969.7), dbSNP rs2138598978, ClinGen allele CA389012599.

ClinVar aggregate classification (germline): Uncertain significance. Review status: criteria provided, multiple submitters, no conflicts (2 of 4 stars). 2 submissions from 2 submitters: Uncertain significance (2). Last evaluated 2026-08-20.

Conditions:
Cardiovascular phenotype. Identifiers: MedGen CN230736.
Hypertrophic cardiomyopathy 14. Identifiers: MedGen C2750467, MONDO:0013197, OMIM 613251.

Submissions (2):

Ambry Genetics
Classification: Uncertain significance for Cardiovascular phenotype. Last evaluated: 2026-08-20. Review status: criteria provided, single submitter. Criteria: Ambry Variant Classification Scheme 2023. Collection method: clinical testing. Allele origin: germline.
Comment: The p.E933* variant (also known as c.2797G>T), located in coding exon 20 of the MYH6 gene, results from a G to T substitution at nucleotide position 2797. This changes the amino acid from a glutamic acid to a stop codon within coding exon 20. This variant is expected to result in protein truncation or nonsense-mediated mRNA decay. However, loss of function has not been established as a mechanism of disease. Based on the available evidence, the clinical significance of this variant remains unclear.

Labcorp Genetics (formerly Invitae), Labcorp
Classification: Uncertain significance for Hypertrophic cardiomyopathy 14. Last evaluated: 2020-12-17. Review status: criteria provided, single submitter. Criteria: Invitae Variant Classification Sherloc (09022015). Collection method: clinical testing. Allele origin: germline.
Comment: In summary, the available evidence is currently insufficient to determine the role of this variant in disease. Therefore, it has been classified as a Variant of Uncertain Significance. This variant has not been reported in the literature in individuals with MYH6-related conditions. This variant is not present in population databases (ExAC no frequency). This sequence change creates a premature translational stop signal (p.Glu933*) in the MYH6 gene. It is expected to result in an absent or disrupted protein product. However, the current clinical and genetic evidence is not sufficient to establish whether loss-of-function variants in MYH6 cause disease.